The following is an entry in ClinVar:

NM_130837.3(OPA1):c.168G>T (p.Arg56Ser)

Gene: OPA1 (OPA1 mitochondrial dynamin like GTPase; plus strand). Cytogenetic location: 3q29.
Variant type: single nucleotide variant.
Coding change: c.168G>T on transcript NM_130837.3 (MANE Select); coding-DNA position 168, G replaced by T.
Protein change: p.Arg56Ser; replaces arginine 56 with serine.
Molecular consequence: missense variant. On other transcripts: 5 prime UTR variant (2).
Genome position (GRCh38, 1-based): chr3:193,614,858, G>T. VCF-style: chr3-193614858-G-T. GRCh37 (hg19) VCF-style: chr3-193332647-G-T.
Other names: c.-205G>T (NM_001354663.2, NM_001354664.2); c.168G>T, p.Arg56Ser (NM_015560.3, NM_130831.3, NM_130832.3 and 4 more transcripts); short protein forms R56S.
Identifiers: ClinVar variation 2095899 (VCV002095899.4), dbSNP rs2474576058, ClinGen allele CA355786646.
Genomic context (GRCh38, chr3:193,614,858, plus strand): 5'-TTCACGAAGCATTTATCATTCACATCATCCTACCTTAAAGCTTCAACGACCCCAATTAAG[G>T]ACATCCTTTCAGCAGTTCTCTTCTCTGACAAACCTTCCTTTACGTAAACTGAAATTCTCT-3'
Protein context (NP_570850.2, residues 46-66): PTLKLQRPQL[Arg56Ser]TSFQQFSSLT

ClinVar aggregate classification (germline): Uncertain significance (1 of 4 stars; one submission).

Submission:

Labcorp Genetics (formerly Invitae), Labcorp
Classification: Uncertain significance. Last evaluated: 2023-06-30. Review status: criteria provided, single submitter. Criteria: Invitae Variant Classification Sherloc (09022015). Collection method: clinical testing. Allele origin: germline.
Comment: In summary, the available evidence is currently insufficient to determine the role of this variant in disease. Therefore, it has been classified as a Variant of Uncertain Significance. Algorithms developed to predict the effect of sequence changes on RNA splicing suggest that this variant may create or strengthen a splice site. Advanced modeling of protein sequence and biophysical properties (such as structural, functional, and spatial information, amino acid conservation, physicochemical variation, residue mobility, and thermodynamic stability) performed at Invitae indicates that this missense variant is not expected to disrupt OPA1 protein function. ClinVar contains an entry for this variant (Variation ID: 2095899). This variant has not been reported in the literature in individuals affected with OPA1-related conditions. This variant is not present in population databases (gnomAD no frequency). This sequence change replaces arginine, which is basic and polar, with serine, which is neutral and polar, at codon 56 of the OPA1 protein (p.Arg56Ser).